The following is an entry in ClinVar:

ClinVar aggregate classification (germline): Uncertain significance. Review status: criteria provided, multiple submitters, no conflicts (2 of 4 stars). 2 submissions from 2 submitters: Uncertain significance (2). Last evaluated 2024-10-10.

Conditions:
Hereditary cancer-predisposing syndrome. Also called: Tumor predisposition; Hereditary Cancer Syndrome; Hereditary neoplastic syndrome; Neoplastic Syndromes, Hereditary. Identifiers: Orphanet 140162, MedGen C0027672, MeSH D009386, MONDO:0015356.

Submissions (2):

Labcorp Genetics (formerly Invitae), Labcorp
Classification: Uncertain significance. Last evaluated: 2024-10-10. Review status: criteria provided, single submitter. Criteria: Invitae Variant Classification Sherloc (09022015). Collection method: clinical testing. Allele origin: germline.
Comment: This sequence change replaces serine, which is neutral and polar, with alanine, which is neutral and non-polar, at codon 408 of the MSH3 protein (p.Ser408Ala). This variant is not present in population databases (gnomAD no frequency). This variant has not been reported in the literature in individuals affected with MSH3-related conditions. ClinVar contains an entry for this variant (Variation ID: 1442498). An algorithm developed to predict the effect of missense changes on protein structure and function (PolyPhen-2) suggests that this variant is likely to be tolerated. In summary, the available evidence is currently insufficient to determine the role of this variant in disease. Therefore, it has been classified as a Variant of Uncertain Significance.

Ambry Genetics
Classification: Uncertain significance for Hereditary cancer-predisposing syndrome. Last evaluated: 2021-09-22. Review status: criteria provided, single submitter. Criteria: Ambry Variant Classification Scheme 2023. Collection method: clinical testing. Allele origin: germline.
Comment: The p.S408A variant (also known as c.1222T>G), located in coding exon 8 of the MSH3 gene, results from a T to G substitution at nucleotide position 1222. The serine at codon 408 is replaced by alanine, an amino acid with similar properties. This amino acid position is conserved. In addition, this alteration is predicted to be tolerated by in silico analysis. Since supporting evidence is limited at this time, the clinical significance of this alteration remains unclear.

NM_002439.5(MSH3):c.1222T>G (p.Ser408Ala)

Gene: MSH3 (mutS homolog 3; plus strand). Cytogenetic location: 5q14.1.
Variant type: single nucleotide variant.
Coding change: c.1222T>G on transcript NM_002439.5 (MANE Select); coding-DNA position 1222, T replaced by G.
Protein change: p.Ser408Ala; replaces serine 408 with alanine.
Molecular consequence: missense variant.
Genome position (GRCh38, 1-based): chr5:80,678,975, T>G. VCF-style: chr5-80678975-T-G. GRCh37 (hg19) VCF-style: chr5-79974794-T-G.
Other names: short protein forms S408A.
Identifiers: ClinVar variation 1442498 (VCV001442498.10), dbSNP rs2112819018, ClinGen allele CA360268920.